The following is an entry in ClinVar:

NM_001382241.1(TNPO2):c.1638C>T (p.Ala546=)

Gene: TNPO2 (transportin 2; minus strand). Cytogenetic location: 19p13.13.
Variant type: single nucleotide variant.
Coding change: c.1638C>T on transcript NM_001382241.1 (MANE Select); coding-DNA position 1638, C replaced by T.
Protein change: p.Ala546=; no amino-acid change (alanine 546 retained).
Molecular consequence: synonymous variant. On other transcripts: non-coding transcript variant (6).
Genome position (GRCh38, 1-based): chr19:12,706,226, G>A on the plus strand (C>T on the coding strand, the complement: TNPO2 is on the minus strand). VCF-style: chr19-12706226-G-A. GRCh37 (hg19) VCF-style: chr19-12817040-G-A.
Other names: c.1638C>T, p.Ala546= (NM_001136195.2, NM_001136196.2, NM_001382236.1 and 7 more transcripts).
Identifiers: ClinVar variation 4534407 (VCV004534407.6).

ClinVar aggregate classification (germline): Likely benign (1 of 4 stars; one submission).

gnomAD v4.1: 45 of 1,613,762 alleles (0.0028%); highest among the groups gnomAD compares: Middle Eastern, 0.016%; no homozygotes.

Submission:

CeGaT Center for Human Genetics Tuebingen
Classification: Likely benign. Last evaluated: 2025-11-01. Review status: criteria provided, single submitter. Criteria: CeGaT Center For Human Genetics Tuebingen Variant Classification Criteria Version 2. Collection method: clinical testing. Allele origin: germline. Affected: yes. Observed: 1 variant allele.
Comment: TNPO2: BP4, BP7